The following is an entry in ClinVar:

NM_000138.5(FBN1):c.4532del (p.Cys1511fs)

Gene: FBN1 (fibrillin 1; minus strand). Cytogenetic location: 15q21.1.
Variant type: Deletion.
Coding change: c.4532del on transcript NM_000138.5 (MANE Select); coding-DNA position 4532, one base deleted (G; older notation c.4532delG).
Protein change: p.Cys1511fs; shifts the reading frame from cysteine 1511.
Molecular consequence: frameshift variant.
Genome position (GRCh38, 1-based): chr15:48,468,462, C deleted on the plus strand (G on the coding strand, the reverse complement: FBN1 is on the minus strand). VCF-style (leftmost placement, unchanged base first): chr15-48468461-AC-A. GRCh37 (hg19) VCF-style: chr15-48760658-AC-A.
Other names: c.4532delG, p.Cys1511Leufs (NM_001406716.1); short protein forms C1511fs.
Identifiers: ClinVar variation 1973780 (VCV001973780.5), dbSNP rs2505503134, ClinGen allele CA2580089679.
Genomic context (GRCh38, chr15:48,468,461, plus strand): 5'-TAAGGTCTTACCAACACAGCCAACTCGAGTTGGGTTCAGTTCAAAATCAGGTGGGCAGTC[AC>A]AGATATAGCTGCCTGGAGTGTTGACACAGTTCCCACTGATGCACGTGGTTGGATCCAGGC-3'

ClinVar aggregate classification (germline): Pathogenic (1 of 4 stars; one submission).

Conditions:
Familial thoracic aortic aneurysm and aortic dissection (TAAD). Also called: Thoracic aortic aneurysms and dissections. Identifiers: Orphanet 91387, MedGen C4707243, MONDO:0019625.
Marfan syndrome (MFS). Also called: MARFAN SYNDROME, TYPE I; Marfan syndrome type 1; Marfan's syndrome; Marfan syndrome, classic; FBN1-Related Marfan Syndrome. Identifiers: Orphanet 284963, Orphanet 558, MedGen C0024796, MONDO:0007947, OMIM 154700.

Submission:

Labcorp Genetics (formerly Invitae), Labcorp
Classification: Pathogenic for Marfan syndrome; Familial thoracic aortic aneurysm and aortic dissection. Last evaluated: 2022-02-05. Review status: criteria provided, single submitter. Criteria: Invitae Variant Classification Sherloc (09022015). Collection method: clinical testing. Allele origin: germline.
Comment: This variant has not been reported in the literature in individuals affected with FBN1-related conditions. For these reasons, this variant has been classified as Pathogenic. This variant is not present in population databases (gnomAD no frequency). This sequence change creates a premature translational stop signal (p.Cys1511Leufs*9) in the FBN1 gene. It is expected to result in an absent or disrupted protein product. Loss-of-function variants in FBN1 are known to be pathogenic (PMID: 17657824, 19293843).

Literature cited by the submitters: PubMed 17657824; PubMed 19293843.